The following is an entry in ClinVar:

ClinVar aggregate classification (germline): Benign. Review status: criteria provided, multiple submitters, no conflicts (2 of 4 stars). 2 submissions from 2 submitters: Benign (2). Last evaluated 2018-06-14.

Allele frequency attached by ClinVar (database versions not stated): 1000 Genomes Project 30x 0.08542; 1000 Genomes Project 0.08626; gnomAD 0.14177 and 0.14465; TOPMed 0.14812.
gnomAD v4.1: 94,679 of 590,062 alleles (16%); highest among the groups gnomAD compares: Middle Eastern, 21%; 9,537 homozygotes.

Submissions (2):

GeneDx
Classification: Benign. Last evaluated: 2018-06-14. Review status: criteria provided, single submitter. Criteria: GeneDx Variant Classification (06012015). Collection method: clinical testing. Allele origin: germline. Affected: yes.
Comment: This variant is considered likely benign or benign based on one or more of the following criteria: it is a conservative change, it occurs at a poorly conserved position in the protein, it is predicted to be benign by multiple in silico algorithms, and/or has population frequency not consistent with disease.

Breakthrough Genomics
Classification: Benign. Review status: criteria provided, single submitter. Criteria: ACMG Guidelines, 2015. Collection method: not provided. Allele origin: germline. Inheritance: Autosomal dominant inheritance. Affected: yes.

NM_015443.4(KANSL1):c.2542-176G>T

Gene: KANSL1 (KAT8 regulatory NSL complex subunit 1). Cytogenetic location: 17q21.31.
Variant type: single nucleotide variant.
Coding change: c.2542-176G>T on transcript NM_015443.4 (MANE Select); 176 bases into the intron before coding-DNA position 2542, G replaced by T.
Molecular consequence: intron variant.
Genome position (GRCh38, 1-based): chr17:46,034,461, C>A on the plus strand (G>T on the coding strand, the complement: KANSL1 is on the minus strand). VCF-style: chr17-46034461-C-A. GRCh37 (hg19) VCF-style: chr17-44111827-C-A.
Other names: c.2542-179G>T (NM_001193465.2); c.2542-176G>T (NM_001379198.1, NM_001193466.2).
Identifiers: ClinVar variation 670431 (VCV000670431.2), dbSNP rs17653162, ClinGen allele CA14404209.